The following is an entry in ClinVar:

ClinVar aggregate classification (germline): Conflicting classifications of pathogenicity. Review status: criteria provided, conflicting classifications (1 of 4 stars). 2 submissions from 2 submitters: Uncertain significance (1); Likely benign (1). Last evaluated 2025-10-20.

Conditions:
ZNF469-related disorder. Also called: ZNF469-related condition.
Cardiovascular phenotype. Identifiers: MedGen CN230736.

Allele frequency attached by ClinVar (database versions not stated): ExAC 0.00062.
gnomAD v4.1: 24 of 1,429,594 alleles (0.0017%); highest among the groups gnomAD compares: Middle Eastern, 0.25%; no homozygotes.

Submissions (2):

PreventionGenetics, part of Exact Sciences
Classification: Uncertain significance for ZNF469-related condition. Last evaluated: 2025-10-20. Review status: criteria provided, single submitter. Criteria: ACMG Guidelines, 2015. Collection method: clinical testing. Allele origin: germline.
Comment: The ZNF469 c.3046G>T variant is predicted to result in the amino acid substitution p.Ala1016Ser. To our knowledge, this variant has not been reported in the literature. This variant is reported in 0.0098% of alleles in individuals of European (Non-Finnish) descent in gnomAD. At this time, the clinical significance of this variant is uncertain due to the absence of conclusive functional and genetic evidence.

Ambry Genetics
Classification: Likely benign for Cardiovascular phenotype. Last evaluated: 2025-02-28. Review status: criteria provided, single submitter. Criteria: Ambry Variant Classification Scheme 2023. Collection method: clinical testing. Allele origin: germline.

NM_001367624.2(ZNF469):c.3046G>T (p.Ala1016Ser)

Gene: ZNF469 (zinc finger protein 469; plus strand). Cytogenetic location: 16q24.2.
Variant type: single nucleotide variant.
Coding change: c.3046G>T on transcript NM_001367624.2 (MANE Select); coding-DNA position 3046, G replaced by T.
Protein change: p.Ala1016Ser; replaces alanine 1016 with serine.
Molecular consequence: missense variant.
Genome position (GRCh38, 1-based): chr16:88,430,516, G>T. VCF-style: chr16-88430516-G-T. GRCh37 (hg19) VCF-style: chr16-88496924-G-T.
Other names: NM_001127464.1:c.3046G>T; NM_001127464.2:c.3046G>T; short protein forms A1016S.
Identifiers: ClinVar variation 1799197 (VCV001799197.5), dbSNP rs774526856, ClinGen allele CA8224819.